The following is an entry in ClinVar:

NM_177438.3(DICER1):c.2553G>A (p.Gln851=)

Gene: DICER1 (dicer 1, ribonuclease III; minus strand). Cytogenetic location: 14q32.13.
Variant type: single nucleotide variant.
Coding change: c.2553G>A on transcript NM_177438.3 (MANE Select); coding-DNA position 2553, G replaced by A.
Protein change: p.Gln851=; no amino-acid change (glutamine 851 retained).
Molecular consequence: synonymous variant.
Genome position (GRCh38, 1-based): chr14:95,107,977, C>T on the plus strand (G>A on the coding strand, the complement: DICER1 is on the minus strand). VCF-style: chr14-95107977-C-T. GRCh37 (hg19) VCF-style: chr14-95574314-C-T.
Other names: c.2553G>A, p.Gln851= (NM_001195573.1, NM_001271282.3, NM_001291628.2 and 1 more transcripts).
Identifiers: ClinVar variation 417125 (VCV000417125.47), dbSNP rs373715574, ClinGen allele CA7331224.
Genomic context (GRCh38, chr14:95,107,977, plus strand): 5'-GTCTGTAGGTTTAAATTCTAGTGCAGGTTTTTCAAGCCGAAGAATATGTGAGAATATATA[C>T]TGGTGAAGTCTTGTAATCAACTCAAGCATTTGTAGAGACAACATGAAACCAGACTTCTTC-3'
Protein context (NP_803187.1, residues 841-861): QMLELITRLH[Gln851=]YIFSHILRLE

ClinVar aggregate classification (germline): Conflicting classifications of pathogenicity. Review status: criteria provided, conflicting classifications (1 of 4 stars). 10 submissions from 10 submitters: Uncertain significance (1); Benign (2); Likely benign (7). Last evaluated 2026-04-16.

Conditions:
DICER1-related tumor predisposition. Also called: DICER1 syndrome; DICER1-related pleuropulmonary blastoma cancer predisposition syndrome. Identifiers: Orphanet 284343, MedGen C3839822, MONDO:0100216.
Hereditary cancer-predisposing syndrome. Also called: Tumor predisposition; Hereditary neoplastic syndrome; Hereditary Cancer Syndrome; Neoplastic Syndromes, Hereditary. Identifiers: Orphanet 140162, MedGen C0027672, MeSH D009386, MONDO:0015356.
Pleuropulmonary blastoma (PPB). Identifiers: Orphanet 64742, MedGen C1266144, MONDO:0011014, OMIM 601200, HP:0100528.

Allele frequency attached by ClinVar (database versions not stated): TOPMed 0.00008; gnomAD exomes 0.00009 and 0.00007; ExAC 0.00011; 1000 Genomes Project below 0.00001; gnomAD 0.00001 and 0.00003; ESP Exome Variant Server 0.00008.
gnomAD v4.1: 102 of 1,613,522 alleles (0.0063%); highest among the groups gnomAD compares: Middle Eastern, 0.4%; no homozygotes.

Submissions (10):

Myriad Genetics, Inc.
Classification: Benign for DICER1-related tumor predisposition. Last evaluated: 2026-04-16. Review status: criteria provided, single submitter. Criteria: Myriad Autosomal Dominant, Autosomal Recessive and X-Linked Classification Criteria (2023). Collection method: clinical testing. Allele origin: unknown.
Comment: This variant is considered benign. This variant is a silent/synonymous amino acid change and it is not expected to impact splicing.

Labcorp Genetics (formerly Invitae), Labcorp
Classification: Benign for DICER1-related tumor predisposition. Last evaluated: 2026-01-20. Review status: criteria provided, single submitter. Criteria: Invitae Variant Classification Sherloc (09022015). Collection method: clinical testing. Allele origin: germline.

Center for Genomic Medicine, Rigshospitalet, Copenhagen University Hospital
Classification: Likely benign. Last evaluated: 2025-03-04. Review status: criteria provided, single submitter. Criteria: ACMG Guidelines, 2015. Collection method: clinical testing. Allele origin: germline.

Hereditary Cancer Group, L’Institut d'Investigació Biomèdica de Bellvitge
Classification: Likely benign for Hereditary cancer-predisposing syndrome. Last evaluated: 2024-12-19. Review status: criteria provided, single submitter. Criteria: Hatton et al. (Hum Mutat. 2023). Collection method: clinical testing. Allele origin: germline. Inheritance: Autosomal dominant inheritance. Affected: yes.
Comment: BP4, BP7

Blueprint Genetics
Classification: Likely benign. Last evaluated: 2024-10-01. Review status: criteria provided, single submitter. Criteria: ACMG Guidelines, 2015. Collection method: clinical testing. Allele origin: germline.

CeGaT Center for Human Genetics Tuebingen
Classification: Likely benign. Last evaluated: 2024-02-01. Review status: criteria provided, single submitter. Criteria: CeGaT Center For Human Genetics Tuebingen Variant Classification Criteria Version 2. Collection method: clinical testing. Allele origin: germline. Affected: yes. Observed: 1 variant allele.
Comment: DICER1: BP4

Quest Diagnostics Nichols Institute San Juan Capistrano
Classification: Likely benign. Last evaluated: 2023-09-14. Review status: criteria provided, single submitter. Criteria: Quest Diagnostics criteria. Collection method: clinical testing. Allele origin: unknown.

KCCC/NGS Laboratory, Kuwait Cancer Control Center
Classification: Likely benign for Pleuropulmonary blastoma. Last evaluated: 2023-07-07. Review status: criteria provided, single submitter. Criteria: ACMG Guidelines, 2015. Collection method: clinical testing. Allele origin: germline. Affected: yes.

Sema4
Classification: Uncertain significance for Hereditary cancer-predisposing syndrome. Last evaluated: 2021-07-09. Review status: criteria provided, single submitter. Criteria: Sema4 Curation Guidelines. Collection method: curation. Allele origin: germline.
Comment: The DICER1 c.2553G>A (p.Q851=) variant has not been reported in the literature to our knowledge. It was observed in 6/30610 chromosomes in the South Asian subpopulation in the large and broad cohorts of the Genome Aggregation Database (PMID: 32461654). The variant has been reported in ClinVar (Variation ID: 417125). The nucleotide is conserved and in silico tools suggest the impact of the variant on protein splicing is inconclusive, though these predictions have not been confirmed by functional studies. The evidence is insufficient to meet ACMG/AMP criteria for classifying the variant as benign or pathogenic. Thus, the clinical significance of this variant is currently uncertain.

Ambry Genetics
Classification: Likely benign for Hereditary cancer-predisposing syndrome. Last evaluated: 2017-03-29. Review status: criteria provided, single submitter. Criteria: Ambry Variant Classification Scheme 2023. Collection method: clinical testing. Allele origin: germline.